The following is an entry in ClinVar:

NM_001267550.2(TTN):c.52508G>A (p.Gly17503Asp)

Genes: TTN (titin; minus strand), TTN-AS1 (TTN antisense RNA 1; plus strand), LOC126806425 (BRD4-independent group 4 enhancer GRCh37_chr2:179471933-179473132; plus strand). Cytogenetic location: 2q31.2.
Variant type: single nucleotide variant.
Coding change: c.52508G>A on transcript NM_001267550.2 (MANE Select); coding-DNA position 52508, G replaced by A.
Protein change: p.Gly17503Asp; replaces glycine 17503 with aspartic acid.
Molecular consequence: missense variant.
Genome position (GRCh38, 1-based): chr2:178,608,375, C>T on the plus strand (G>A on the coding strand, the complement: TTN is on the minus strand). VCF-style: chr2-178608375-C-T. GRCh37 (hg19) VCF-style: chr2-179473102-C-T.
Other names: c.47585G>A, p.Gly15862Asp (NM_001256850.1); c.25313G>A, p.Gly8438Asp (NM_003319.4); c.44804G>A, p.Gly14935Asp (NM_133378.4); c.25688G>A, p.Gly8563Asp (NM_133432.3); c.25889G>A, p.Gly8630Asp (NM_133437.4); short protein forms G8630D, G15862D, G17503D, G8563D, G14935D, G8438D.
Identifiers: ClinVar variation 4994500 (VCV004994500.1).

ClinVar aggregate classification (germline): Uncertain significance (1 of 4 stars; one submission).

Conditions:
TTN-related disorder. Also called: TTN-related condition; TTN-related disease; TTN-related disorders.

Submission:

PreventionGenetics, part of Exact Sciences
Classification: Uncertain significance for TTN-related condition. Last evaluated: 2026-07-18. Review status: criteria provided, single submitter. Criteria: ACMG Guidelines, 2015. Collection method: clinical testing. Allele origin: germline.
Comment: The TTN c.52508G>A variant is predicted to result in the amino acid substitution p.Gly17503Asp. To our knowledge, this variant has not been reported in the literature or in a large population database (gnomAD), indicating this variant is rare. At this time, the clinical significance of this variant is uncertain due to the absence of conclusive functional and genetic evidence.